The following is an entry in ClinVar:

ClinVar aggregate classification (germline): Uncertain significance (1 of 4 stars; one submission).

Allele frequency attached by ClinVar (database versions not stated): gnomAD exomes 0.00001; TOPMed 0.00001; gnomAD 0.00002.
gnomAD v4.1: 17 of 1,609,242 alleles (0.0011%); highest among the groups gnomAD compares: Non-Finnish European, 0.0014%; no homozygotes.

Submission:

Labcorp Genetics (formerly Invitae), Labcorp
Classification: Uncertain significance. Last evaluated: 2026-01-12. Review status: criteria provided, single submitter. Criteria: Invitae Variant Classification Sherloc (09022015). Collection method: clinical testing. Allele origin: germline.
Comment: This sequence change falls in intron 3 of the AIMP2 gene. It does not directly change the encoded amino acid sequence of the AIMP2 protein. It affects a nucleotide within the consensus splice site. This variant is present in population databases (no rsID available, gnomAD 0.005%). This variant has not been reported in the literature in individuals affected with AIMP2-related conditions. ClinVar contains an entry for this variant (Variation ID: 1897356). Variants that disrupt the consensus splice site are a relatively common cause of aberrant splicing (PMID: 17576681, 9536098). Algorithms developed to predict the effect of sequence changes on RNA splicing suggest that this variant is not likely to affect RNA splicing. In summary, the available evidence is currently insufficient to determine the role of this variant in disease. Therefore, it has been classified as a Variant of Uncertain Significance.

Literature cited by the submitters: PubMed 17576681; PubMed 9536098.

NM_006303.4(AIMP2):c.574+5G>A

Gene: AIMP2 (aminoacyl tRNA synthetase complex interacting multifunctional protein 2; plus strand). Cytogenetic location: 7p22.1.
Variant type: single nucleotide variant.
Coding change: c.574+5G>A on transcript NM_006303.4 (MANE Select); 5 bases into the intron after coding-DNA position 574, G replaced by A.
Molecular consequence: intron variant.
Genome position (GRCh38, 1-based): chr7:6,018,050, G>A. VCF-style: chr7-6018050-G-A. GRCh37 (hg19) VCF-style: chr7-6057681-G-A.
Other names: c.340+5G>A (NM_001326609.2, NM_001326611.3, NM_001326610.2); c.367+5G>A (NM_001326607.2); c.454+5G>A (NM_001326606.2); c.487+5G>A (NM_001362785.2); c.442+5G>A (NM_001362787.2).
Identifiers: ClinVar variation 1897356 (VCV001897356.5), dbSNP rs929422782, ClinGen allele CA153263097.
Genomic context (GRCh38, chr7:6,018,050, plus strand): 5'-TAAAAAACAGCCCCGCCAAGACTATCAGCTGGGATTCACTTTAATTTGGAAGAATGGTAA[G>A]TAGACGGGACTGAGTTCAACTTACACACAGCTGCCCCTTGAACACCATGAGTTTCACCTG-3'